The following is an entry in ClinVar:

NM_012062.5(DNM1L):c.619+252G>A

Gene: DNM1L (dynamin 1 like; plus strand). Cytogenetic location: 12p11.21.
Variant type: single nucleotide variant.
Coding change: c.619+252G>A on transcript NM_012062.5 (MANE Select); 252 bases into the intron after coding-DNA position 619, G replaced by A.
Molecular consequence: intron variant.
Genome position (GRCh38, 1-based): chr12:32,713,623, G>A. VCF-style: chr12-32713623-G-A. GRCh37 (hg19) VCF-style: chr12-32866557-G-A.
Other names: c.658+252G>A (NM_001278464.2, NM_001278465.2, NM_001330380.2); c.131+6210G>A (NM_001278466.2); c.619+252G>A (NM_001278463.2, NM_012063.4, NM_005690.5).
Identifiers: ClinVar variation 680567 (VCV000680567.1), dbSNP rs7971719, ClinGen allele CA15739121.
Genomic context (GRCh38, chr12:32,713,623, plus strand): 5'-TAGGCGAAAATATTTTACAACTTTATTTGTAATGGTTACCTAATAATTTAAAAATAATAC[G>A]GTGGCTTTGCAAAAAGGATTTCTTGTTTTGTGACCTAGGTATTTGAATAGTTGACTTTTA-3'

ClinVar aggregate classification (germline): Benign (1 of 4 stars; one submission).

Allele frequency attached by ClinVar (database versions not stated): 1000 Genomes Project 0.17792; 1000 Genomes Project 30x 0.18192; gnomAD 0.18597 and 0.19142; TOPMed 0.19538.
gnomAD v4.1: 28,337 of 151,894 alleles (19%); highest among the groups gnomAD compares: African/African-American, 32%; 3,137 homozygotes.

Submission:

GeneDx
Classification: Benign. Last evaluated: 2018-06-14. Review status: criteria provided, single submitter. Criteria: GeneDx Variant Classification (06012015). Collection method: clinical testing. Allele origin: germline. Affected: yes.
Comment: This variant is considered likely benign or benign based on one or more of the following criteria: it is a conservative change, it occurs at a poorly conserved position in the protein, it is predicted to be benign by multiple in silico algorithms, and/or has population frequency not consistent with disease.